The following is an entry in ClinVar:

NM_004082.5(DCTN1):c.2836G>A (p.Glu946Lys)

Gene: DCTN1 (dynactin subunit 1; minus strand). Cytogenetic location: 2p13.1.
Variant type: single nucleotide variant.
Coding change: c.2836G>A on transcript NM_004082.5 (MANE Select); coding-DNA position 2836, G replaced by A.
Protein change: p.Glu946Lys; replaces glutamic acid 946 with lysine.
Molecular consequence: missense variant. On other transcripts: non-coding transcript variant (1).
Genome position (GRCh38, 1-based): chr2:74,365,943, C>T on the plus strand (G>A on the coding strand, the complement: DCTN1 is on the minus strand). VCF-style: chr2-74365943-C-T. GRCh37 (hg19) VCF-style: chr2-74593070-C-T.
Other names: c.2776G>A, p.Glu926Lys (NM_001135040.3); c.2434G>A, p.Glu812Lys (NM_001135041.3, NM_023019.4); c.2725G>A, p.Glu909Lys (NM_001190836.2); c.2815G>A, p.Glu939Lys (NM_001190837.2); c.2785G>A, p.Glu929Lys (NM_001378991.1); c.2767G>A, p.Glu923Lys (NM_001378992.1); short protein forms E939K, E946K, E812K, E909K, E926K, E923K, E929K.
Identifiers: ClinVar variation 646084 (VCV000646084.9), dbSNP rs780644304, ClinGen allele CA1721703.
Genomic context (GRCh38, chr2:74,365,943, plus strand): 5'-CTACCCTCACCTTAATCTTGAGTGACTTCTTCAACTCCTTAATAACTGTCTCTCGATCTT[C>T]GAGCTTCAAACCCAGGCCTTCAGCATCTGTGATCTCTGCACGAAGGGCAGCAGCCCGCAG-3'
Protein context (NP_004073.2, residues 936-956): TDAEGLGLKL[Glu946Lys]DRETVIKELK

ClinVar aggregate classification (germline): Uncertain significance. Review status: criteria provided, multiple submitters, no conflicts (2 of 4 stars). 2 submissions from 2 submitters: Uncertain significance (2). Last evaluated 2024-02-06.

Conditions:
Inborn genetic diseases. Identifiers: MedGen C0950123, MeSH D030342.
Amyotrophic lateral sclerosis type 1 (ALS1). Also called: AMYOTROPHIC LATERAL SCLEROSIS 1, FAMILIAL. Identifiers: Orphanet 803, MedGen C1862939, MONDO:0007103, OMIM 105400.
Perry syndrome. Also called: PARKINSONISM WITH ALVEOLAR HYPOVENTILATION AND MENTAL DEPRESSION. Identifiers: Orphanet 178509, MedGen C1868594, MONDO:0008201, OMIM 168605.
Neuronopathy, distal hereditary motor, type 7B. Also called: LOWER MOTOR NEURON DISEASE, DYNACTIN TYPE; HMN VIIB; NEURONOPATHY, DISTAL HEREDITARY MOTOR, AUTOSOMAL DOMINANT 14; NEURONOPATHY, DISTAL HEREDITARY MOTOR, HARDING TYPE VIIB; NEUROPATHY, DISTAL HEREDITARY MOTOR, HARDING TYPE VIIB; NEUROPATHY, DISTAL HEREDITARY MOTOR, WITH VOCAL CORD PARALYSIS, HARDING TYPE VIIB. Identifiers: Orphanet 139589, MedGen C1843315, MONDO:0011879, OMIM 607641.

Allele frequency attached by ClinVar (database versions not stated): gnomAD 0.00001; gnomAD exomes 0.00001; TOPMed 0.00001; ExAC 0.00002.
gnomAD v4.1: 7 of 1,614,122 alleles (0.00043%); highest among the groups gnomAD compares: East Asian, 0.0045%; no homozygotes.

Submissions (2):

Labcorp Genetics (formerly Invitae), Labcorp
Classification: Uncertain significance for Amyotrophic lateral sclerosis type 1; Neuronopathy, distal hereditary motor, type 7B; Perry syndrome. Last evaluated: 2024-02-06. Review status: criteria provided, single submitter. Criteria: Invitae Variant Classification Sherloc (09022015). Collection method: clinical testing. Allele origin: germline.
Comment: This sequence change replaces glutamic acid, which is acidic and polar, with lysine, which is basic and polar, at codon 946 of the DCTN1 protein (p.Glu946Lys). This variant is present in population databases (rs780644304, gnomAD 0.003%). This variant has not been reported in the literature in individuals affected with DCTN1-related conditions. ClinVar contains an entry for this variant (Variation ID: 646084). Advanced modeling of protein sequence and biophysical properties (such as structural, functional, and spatial information, amino acid conservation, physicochemical variation, residue mobility, and thermodynamic stability) performed at Invitae indicates that this missense variant is not expected to disrupt DCTN1 protein function with a negative predictive value of 80%. In summary, the available evidence is currently insufficient to determine the role of this variant in disease. Therefore, it has been classified as a Variant of Uncertain Significance.

Ambry Genetics
Classification: Uncertain significance for Inborn genetic diseases. Last evaluated: 2021-03-20. Review status: criteria provided, single submitter. Criteria: Ambry Variant Classification Scheme 2023. Collection method: clinical testing. Allele origin: germline.
Comment: The p.E946K variant (also known as c.2836G>A), located in coding exon 24 of the DCTN1 gene, results from a G to A substitution at nucleotide position 2836. The glutamic acid at codon 946 is replaced by lysine, an amino acid with similar properties. This amino acid position is highly conserved in available vertebrate species. In addition, this alteration is predicted to be deleterious by in silico analysis. Since supporting evidence is limited at this time, the clinical significance of this alteration remains unclear.